The following is an entry in ClinVar:

NM_005461.5(MAFB):c.565G>A (p.Gly189Arg)

Gene: MAFB (MAF bZIP transcription factor B; minus strand). Cytogenetic location: 20q12.
Variant type: single nucleotide variant.
Coding change: c.565G>A on transcript NM_005461.5 (MANE Select); coding-DNA position 565, G replaced by A.
Protein change: p.Gly189Arg; replaces glycine 189 with arginine.
Molecular consequence: missense variant.
Genome position (GRCh38, 1-based): chr20:40,688,286, C>T on the plus strand (G>A on the coding strand, the complement: MAFB is on the minus strand). VCF-style: chr20-40688286-C-T. GRCh37 (hg19) VCF-style: chr20-39316926-C-T.
Other names: c.565G>A (NM_005461.3); short protein forms G189R.
Identifiers: ClinVar variation 2634637 (VCV002634637.5), dbSNP rs1416365415, ClinGen allele CA408940873.

ClinVar aggregate classification (germline): Conflicting classifications of pathogenicity. Review status: criteria provided, conflicting classifications (1 of 4 stars). 4 submissions from 4 submitters: Uncertain significance (2); Benign (1); Likely benign (1). Last evaluated 2025-03-06.

Conditions:
Inborn genetic diseases. Identifiers: MedGen C0950123, MeSH D030342.
MAFB-related disorder. Also called: MAFB-related condition.

Allele frequency attached by ClinVar (database versions not stated): gnomAD 0.00003.
gnomAD v4.1: 42 of 1,541,326 alleles (0.0027%); highest among the groups gnomAD compares: Non-Finnish European, 0.0036%; no homozygotes.

Submissions (4):

Ambry Genetics
Classification: Likely benign for Inborn genetic diseases. Last evaluated: 2025-03-06. Review status: criteria provided, single submitter. Criteria: Ambry Variant Classification Scheme 2023. Collection method: clinical testing. Allele origin: germline.

Labcorp Genetics (formerly Invitae), Labcorp
Classification: Benign. Last evaluated: 2024-01-02. Review status: criteria provided, single submitter. Criteria: Invitae Variant Classification Sherloc (09022015). Collection method: clinical testing. Allele origin: germline.

Women's Health and Genetics/Laboratory Corporation of America, LabCorp
Classification: Uncertain significance. Last evaluated: 2023-10-20. Review status: criteria provided, single submitter. Criteria: LabCorp Variant Classification Summary - May 2015. Collection method: clinical testing. Allele origin: germline.
Comment: Variant summary: MAFB c.565G>A (p.Gly189Arg) results in a non-conservative amino acid change in the encoded protein sequence. Three of five in-silico tools predict a damaging effect of the variant on protein function. The variant allele was found at a frequency of 2.8e-05 in 143114 control chromosomes. The available data on variant occurrences in the general population are insufficient to allow any conclusion about variant significance. To our knowledge, no occurrence of c.565G>A in individuals affected with MAFB-Related Disorders and no experimental evidence demonstrating its impact on protein function have been reported. No submitters have cited clinical-significance assessments for this variant to ClinVar after 2014. Based on the evidence outlined above, the variant was classified as uncertain significance.

PreventionGenetics, part of Exact Sciences
Classification: Uncertain significance for MAFB-related condition. Last evaluated: 2023-04-25. Review status: criteria provided, single submitter. Criteria: ACMG Guidelines, 2015. Collection method: clinical testing. Allele origin: germline.
Comment: The MAFB c.565G>A variant is predicted to result in the amino acid substitution p.Gly189Arg. To our knowledge, this variant has not been reported in the literature. This variant is reported in 0.0067% of alleles in individuals of European (Non-Finnish) descent in gnomAD. At this time, the clinical significance of this variant is uncertain due to the absence of conclusive functional and genetic evidence.